The following is an entry in ClinVar:

NM_001370259.2(MEN1):c.619del (p.Arg207fs)

Gene: MEN1 (menin 1; minus strand). Cytogenetic location: 11q13.1.
Variant type: Deletion.
Coding change: c.619del on transcript NM_001370259.2 (MANE Select); coding-DNA position 619, one base deleted (A; older notation c.619delA).
Protein change: p.Arg207fs; shifts the reading frame from arginine 207.
Molecular consequence: frameshift variant. On other transcripts: non-coding transcript variant (4), intron variant (5).
Genome position (GRCh38, 1-based): chr11:64,807,926, T deleted on the plus strand (A on the coding strand, the reverse complement: MEN1 is on the minus strand). VCF-style (leftmost placement, unchanged base first): chr11-64807925-CT-C. GRCh37 (hg19) VCF-style: chr11-64575397-CT-C.
Other names: c.634del, p.Arg212fs (NM_000244.4, NM_001407145.1, NM_001407150.1 and 5 more transcripts); c.619del, p.Arg207fs (NM_001370251.2, NM_001370260.2, NM_001370261.2 and 7 more transcripts); c.549+70del (NM_001407148.1, NM_001407149.1, NM_001407151.1 and 2 more transcripts); c.619delA (NM_130799.3); short protein forms R207fs, R212fs.
Identifiers: ClinVar variation 4525748 (VCV004525748.1).

ClinVar aggregate classification (germline): Pathogenic (1 of 4 stars; one submission).

Conditions:
Multiple endocrine neoplasia, type 1 (MEN1). Also called: MEN I; WERMER SYNDROME; MEA I; Endocrine adenomatosis multiple; MEN 1. Identifiers: Orphanet 652, MedGen C0025267, MeSH D018761, MONDO:0007540, OMIM 131100.

Submission:

Women's Health and Genetics/Laboratory Corporation of America, LabCorp
Classification: Pathogenic for Multiple endocrine neoplasia, type 1. Last evaluated: 2025-07-21. Review status: criteria provided, single submitter. Criteria: LabCorp Variant Classification Summary - May 2015. Collection method: clinical testing. Allele origin: germline.
Comment: Variant summary: MEN1 c.619delA (p.Arg207GlyfsX17) results in a premature termination codon, predicted to cause a truncation of the encoded protein or absence of the protein due to nonsense mediated decay, which are commonly known mechanisms for disease. The variant was absent in 251246 control chromosomes. To our knowledge, no occurrence of c.619delA in individuals affected with Multiple Endocrine Neoplasia Type 1 and no experimental evidence demonstrating its impact on protein function have been reported. No submitters have cited clinical-significance assessments for this variant to ClinVar. Based on the evidence outlined above, the variant was classified as pathogenic.